The following is an entry in ClinVar:

ClinVar aggregate classification (germline): Uncertain significance. Review status: criteria provided, multiple submitters, no conflicts (2 of 4 stars). 4 submissions from 4 submitters: Uncertain significance (3). 1 of the submissions does not count toward it. Last evaluated 2022-03-10.

Conditions:
Medulloblastoma (MDB). Also called: MEDULLOBLASTOMA PREDISPOSITION SYNDROME; Medulloblastoma, somatic. Identifiers: Orphanet 616, MedGen C0025149, MeSH D008527, MONDO:0007959, OMIM 155255, HP:0002885.
Familial dysautonomia. Also called: FD; HSAN III. Identifiers: Orphanet 1764, MedGen C0013364, MONDO:0009131, OMIM 223900. Disease mechanism: loss of function.

Allele frequency attached by ClinVar (database versions not stated): gnomAD 0.00001 and 0.00002; TOPMed 0.00001.
gnomAD v4.1: 50 of 1,613,816 alleles (0.0031%); highest among the groups gnomAD compares: Middle Eastern, 0.016%; no homozygotes.

Submissions (4):

Labcorp Genetics (formerly Invitae), Labcorp
Classification: Uncertain significance. Last evaluated: 2022-03-10. Review status: criteria provided, single submitter. Criteria: Invitae Variant Classification Sherloc (09022015). Collection method: clinical testing. Allele origin: germline.
Comment: This sequence change replaces arginine, which is basic and polar, with glutamine, which is neutral and polar, at codon 8 of the ELP1 protein (p.Arg8Gln). This variant is present in population databases (rs370041985, gnomAD 0.01%). This variant has not been reported in the literature in individuals affected with ELP1-related conditions. ClinVar contains an entry for this variant (Variation ID: 571632). Algorithms developed to predict the effect of missense changes on protein structure and function output the following: SIFT: "Tolerated"; PolyPhen-2: "Benign"; Align-GVGD: "Class C0". The glutamine amino acid residue is found in multiple mammalian species, which suggests that this missense change does not adversely affect protein function. Algorithms developed to predict the effect of sequence changes on RNA splicing suggest that this variant may disrupt the consensus splice site. In summary, the available evidence is currently insufficient to determine the role of this variant in disease. Therefore, it has been classified as a Variant of Uncertain Significance.

Fulgent Genetics
Classification: Uncertain significance for Medulloblastoma; Familial dysautonomia. Last evaluated: 2021-08-10. Review status: criteria provided, single submitter. Criteria: ACMG Guidelines, 2015. Collection method: clinical testing. Allele origin: unknown.

Ambry Genetics
Classification: Uncertain significance. Last evaluated: 2019-11-04. Review status: criteria provided, single submitter. Criteria: Ambry Variant Classification Scheme 2023. Collection method: clinical testing. Allele origin: germline.
Comment: The p.R8Q variant (also known as c.23G>A), located in coding exon 1 of the IKBKAP gene, results from a G to A substitution at nucleotide position 23. The arginine at codon 8 is replaced by glutamine, an amino acid with highly similar properties. This amino acid position is not well conserved in available vertebrate species. In addition, this alteration is predicted to be tolerated by in silico analysis. Since supporting evidence is limited at this time, the clinical significance of this alteration remains unclear.

Natera, Inc.
Classification: Uncertain significance for Familial dysautonomia. Last evaluated: 2020-09-16. Review status: no assertion criteria provided. Collection method: clinical testing. Allele origin: germline. Not counted in ClinVar's aggregate classification.

NM_003640.5(ELP1):c.23G>A (p.Arg8Gln)

Gene: ELP1 (elongator acetyltransferase complex subunit 1; minus strand). Cytogenetic location: 9q31.3.
Variant type: single nucleotide variant.
Coding change: c.23G>A on transcript NM_003640.5 (MANE Select); coding-DNA position 23, G replaced by A.
Protein change: p.Arg8Gln; replaces arginine 8 with glutamine.
Molecular consequence: missense variant. On other transcripts: 5 prime UTR variant (1), intron variant (1).
Genome position (GRCh38, 1-based): chr9:108,931,124, C>T on the plus strand (G>A on the coding strand, the complement: ELP1 is on the minus strand). VCF-style: chr9-108931124-C-T. GRCh37 (hg19) VCF-style: chr9-111693404-C-T.
Other names: c.23G>A (LRG_251t1); c.-837G>A (NM_001330749.2); c.-252-68G>A (NM_001318360.2); short protein forms R8Q.
Identifiers: ClinVar variation 571632 (VCV000571632.7), dbSNP rs370041985, ClinGen allele CA5175483.